The following is an entry in ClinVar:

ClinVar aggregate classification (germline): Uncertain significance (1 of 4 stars; one submission).

Conditions:
Cardiovascular phenotype. Identifiers: MedGen CN230736.

Submission:

Ambry Genetics
Classification: Uncertain significance for Cardiovascular phenotype. Last evaluated: 2019-08-19. Review status: criteria provided, single submitter. Criteria: Ambry Variant Classification Scheme 2023. Collection method: clinical testing. Allele origin: germline.
Comment: The p.L2466V variant (also known as c.7396T>G), located in coding exon 26 of the APOB gene, results from a T to G substitution at nucleotide position 7396. The leucine at codon 2466 is replaced by valine, an amino acid with highly similar properties. This amino acid position is not well conserved in available vertebrate species, and valine is the reference amino acid in other vertebrate species. In addition, this alteration is predicted to be tolerated by in silico analysis. Since supporting evidence is limited at this time, the clinical significance of this alteration remains unclear.

NM_000384.3(APOB):c.7396T>G (p.Leu2466Val)

Gene: APOB (apolipoprotein B; minus strand). Cytogenetic location: 2p24.1.
Variant type: single nucleotide variant.
Coding change: c.7396T>G on transcript NM_000384.3 (MANE Select); coding-DNA position 7396, T replaced by G.
Protein change: p.Leu2466Val; replaces leucine 2466 with valine.
Molecular consequence: missense variant.
Genome position (GRCh38, 1-based): chr2:21,009,472, A>C on the plus strand (T>G on the coding strand, the complement: APOB is on the minus strand). VCF-style: chr2-21009472-A-C. GRCh37 (hg19) VCF-style: chr2-21232344-A-C.
Other names: short protein forms L2466V.
Identifiers: ClinVar variation 1758682 (VCV001758682.2), dbSNP rs1383533461, ClinGen allele CA345997248.